The following is an entry in ClinVar:

NM_001851.6(COL9A1):c.976-10G>T

Gene: COL9A1 (collagen type IX alpha 1 chain; minus strand). Cytogenetic location: 6q13.
Variant type: single nucleotide variant.
Coding change: c.976-10G>T on transcript NM_001851.6 (MANE Select); 10 bases into the intron before coding-DNA position 976, G replaced by T.
Molecular consequence: intron variant.
Genome position (GRCh38, 1-based): chr6:70,274,782, C>A on the plus strand (G>T on the coding strand, the complement: COL9A1 is on the minus strand). VCF-style: chr6-70274782-C-A. GRCh37 (hg19) VCF-style: chr6-70984485-C-A.
Other names: c.247-10G>T (NM_001377290.1, NM_078485.4, NM_001377289.1).
Identifiers: ClinVar variation 797140 (VCV000797140.16), dbSNP rs200618486, ClinGen allele CA3882519.

ClinVar aggregate classification (germline): Likely benign. Review status: criteria provided, multiple submitters, no conflicts (2 of 4 stars). 4 submissions from 4 submitters: Likely benign (3). 1 of the submissions does not count toward it. Last evaluated 2026-01-25.

Conditions:
COL9A1-related disorder. Also called: COL9A1-related condition; COL9A1-related disorders.

Allele frequency attached by ClinVar (database versions not stated): ESP Exome Variant Server 0.00008; TOPMed 0.00012; 1000 Genomes Project 30x 0.00016; ExAC 0.00016; gnomAD exomes 0.00016; gnomAD 0.00017 and 0.00019; 1000 Genomes Project 0.00020.
gnomAD v4.1: 481 of 1,609,936 alleles (0.03%); highest among the groups gnomAD compares: Non-Finnish European, 0.038%; no homozygotes.

Submissions (4):

Labcorp Genetics (formerly Invitae), Labcorp
Classification: Likely benign. Last evaluated: 2026-01-25. Review status: criteria provided, single submitter. Criteria: Invitae Variant Classification Sherloc (09022015). Collection method: clinical testing. Allele origin: germline.

Blueprint Genetics
Classification: Likely benign. Last evaluated: 2024-09-12. Review status: criteria provided, single submitter. Criteria: ACMG Guidelines, 2015. Collection method: clinical testing. Allele origin: germline.

GeneDx
Classification: Likely benign. Last evaluated: 2021-01-29. Review status: criteria provided, single submitter. Criteria: GeneDx Variant Classification Process June 2021. Collection method: clinical testing. Allele origin: germline. Affected: yes.

PreventionGenetics, part of Exact Sciences
Classification: Likely benign for COL9A1-related condition. Last evaluated: 2020-02-20. Review status: no assertion criteria provided. Collection method: clinical testing. Allele origin: germline. Not counted in ClinVar's aggregate classification.
Comment: This variant is classified as likely benign based on ACMG/AMP sequence variant interpretation guidelines (Richards et al. 2015 PMID: 25741868, with internal and published modifications).